The following is an entry in ClinVar:

NM_000179.3(MSH6):c.200C>A (p.Pro67His)

Gene: MSH6 (mutS homolog 6; plus strand). Cytogenetic location: 2p16.3.
Variant type: single nucleotide variant.
Coding change: c.200C>A on transcript NM_000179.3 (MANE Select); coding-DNA position 200, C replaced by A.
Protein change: p.Pro67His; replaces proline 67 with histidine.
Molecular consequence: missense variant. On other transcripts: 5 prime UTR variant (1).
Genome position (GRCh38, 1-based): chr2:47,783,433, C>A. VCF-style: chr2-47783433-C-A. GRCh37 (hg19) VCF-style: chr2-48010572-C-A.
Other names: c.200C>A, p.Pro67His (NM_001281492.2, NM_001406795.1, NM_001406796.1 and 9 more transcripts); c.-537C>A (NM_001281493.2, NM_001406811.1); c.-129C>A (NM_001406799.1); c.145C>A, p.Pro49Thr (NM_001406804.1); c.-729C>A (NM_001406807.1); c.-384C>A (NM_001406812.1); c.-795C>A (NM_001406814.1); c.-340C>A (NM_001406816.1); short protein forms P49T, P67H.
Identifiers: ClinVar variation 1784378 (VCV001784378.4), dbSNP rs1558645344, ClinGen allele CA346735038.

ClinVar aggregate classification (germline): Uncertain significance. Review status: criteria provided, multiple submitters, no conflicts (2 of 4 stars). 2 submissions from 2 submitters: Uncertain significance (2). Last evaluated 2024-07-30.

Conditions:
Hereditary nonpolyposis colorectal neoplasms. Identifiers: MedGen C0009405, MeSH D003123.
Hereditary cancer-predisposing syndrome. Also called: Neoplastic Syndromes, Hereditary; Tumor predisposition; Hereditary Cancer Syndrome; Hereditary neoplastic syndrome. Identifiers: Orphanet 140162, MedGen C0027672, MeSH D009386, MONDO:0015356.

Submissions (2):

Labcorp Genetics (formerly Invitae), Labcorp
Classification: Uncertain significance for Hereditary nonpolyposis colorectal neoplasms. Last evaluated: 2024-07-30. Review status: criteria provided, single submitter. Criteria: Invitae Variant Classification Sherloc (09022015). Collection method: clinical testing. Allele origin: germline.
Comment: This sequence change replaces proline, which is neutral and non-polar, with histidine, which is basic and polar, at codon 67 of the MSH6 protein (p.Pro67His). This variant is not present in population databases (gnomAD no frequency). This variant has not been reported in the literature in individuals affected with MSH6-related conditions. ClinVar contains an entry for this variant (Variation ID: 1784378). Advanced modeling of protein sequence and biophysical properties (such as structural, functional, and spatial information, amino acid conservation, physicochemical variation, residue mobility, and thermodynamic stability) performed at Invitae indicates that this missense variant is not expected to disrupt MSH6 protein function with a negative predictive value of 95%. In summary, the available evidence is currently insufficient to determine the role of this variant in disease. Therefore, it has been classified as a Variant of Uncertain Significance.

Ambry Genetics
Classification: Uncertain significance for Hereditary cancer-predisposing syndrome. Last evaluated: 2019-06-14. Review status: criteria provided, single submitter. Criteria: Ambry Variant Classification Scheme 2023. Collection method: clinical testing. Allele origin: germline.
Comment: The p.P67H variant (also known as c.200C>A), located in coding exon 1 of the MSH6 gene, results from a C to A substitution at nucleotide position 200. The proline at codon 67 is replaced by histidine, an amino acid with similar properties. This amino acid position is well conserved in available vertebrate species. This alteration is predicted to be tolerated by BayesDel in silico analysis. In addition, the CoDP in silico tool predicts this alteration to have minor impact on molecular function, with a score of 0.000 (Terui H et al. J. Biomed. Sci. 2013 Apr;20:25). Since supporting evidence is limited at this time, the clinical significance of this alteration remains unclear.